The following is an entry in ClinVar:

ClinVar aggregate classification (germline): Likely benign (0 of 4 stars; one submission).

Conditions:
ABCG8-related disorder. Also called: ABCG8-related condition.

Allele frequency attached by ClinVar (database versions not stated): gnomAD exomes below 0.00001; ExAC 0.00002; gnomAD 0.00003; TOPMed 0.00003.
gnomAD v4.1: 8 of 1,600,572 alleles (0.0005%); highest among the groups gnomAD compares: African/African-American, 0.0094%; no homozygotes.

Submission:

PreventionGenetics, part of Exact Sciences
Classification: Likely benign for ABCG8-related condition. Last evaluated: 2021-12-22. Review status: no assertion criteria provided. Collection method: clinical testing. Allele origin: germline.
Comment: This variant is classified as likely benign based on ACMG/AMP sequence variant interpretation guidelines (Richards et al. 2015 PMID: 25741868, with internal and published modifications).

NM_022437.3(ABCG8):c.1412-7T>A

Gene: ABCG8 (ATP binding cassette subfamily G member 8; plus strand). Cytogenetic location: 2p21.
Variant type: single nucleotide variant.
Coding change: c.1412-7T>A on transcript NM_022437.3 (MANE Select); 7 bases into the intron before coding-DNA position 1412, T replaced by A.
Molecular consequence: intron variant.
Genome position (GRCh38, 1-based): chr2:43,874,400, T>A. VCF-style: chr2-43874400-T-A. GRCh37 (hg19) VCF-style: chr2-44101539-T-A.
Other names: c.1409-7T>A (NM_001357321.2).
Identifiers: ClinVar variation 3031559 (VCV003031559.2), dbSNP rs759590300, ClinGen allele CA1637447.